The following is an entry in ClinVar:

NM_001101362.3(KBTBD13):c.117C>T (p.Gly39=)

Gene: KBTBD13 (kelch repeat and BTB domain containing 13; plus strand). Cytogenetic location: 15q22.31.
Variant type: single nucleotide variant.
Coding change: c.117C>T on transcript NM_001101362.3 (MANE Select); coding-DNA position 117, C replaced by T.
Protein change: p.Gly39=; no amino-acid change (glycine 39 retained).
Molecular consequence: synonymous variant.
Genome position (GRCh38, 1-based): chr15:65,076,932, C>T. VCF-style: chr15-65076932-C-T. GRCh37 (hg19) VCF-style: chr15-65369270-C-T.
Identifiers: ClinVar variation 316734 (VCV000316734.78), dbSNP rs367684457, ClinGen allele CA7613871.

ClinVar aggregate classification (germline): Benign/Likely benign. Review status: criteria provided, multiple submitters, no conflicts (2 of 4 stars). 5 submissions from 5 submitters: Benign (3); Likely benign (2). Last evaluated 2025-12-15.

Conditions:
Nemaline myopathy 6 (NEM6). Also called: Nemaline myopathy 6, autosomal dominant. Identifiers: Orphanet 171439, MedGen C1836472, MONDO:0012237, OMIM 609273.

Allele frequency attached by ClinVar (database versions not stated): ExAC 0.00058; ESP Exome Variant Server 0.00067; gnomAD 0.00099 and 0.00105; TOPMed 0.00110; 1000 Genomes Project 30x 0.00125; 1000 Genomes Project 0.00140.

Submissions (5):

Labcorp Genetics (formerly Invitae), Labcorp
Classification: Likely benign for Nemaline myopathy 6. Last evaluated: 2025-12-15. Review status: criteria provided, single submitter. Criteria: Invitae Variant Classification Sherloc (09022015). Collection method: clinical testing. Allele origin: germline.

Blueprint Genetics
Classification: Likely benign. Last evaluated: 2024-10-08. Review status: criteria provided, single submitter. Criteria: ACMG Guidelines, 2015. Collection method: clinical testing. Allele origin: germline.

CeGaT Center for Human Genetics Tuebingen
Classification: Benign. Last evaluated: 2022-07-01. Review status: criteria provided, single submitter. Criteria: CeGaT Center For Human Genetics Tuebingen Variant Classification Criteria Version 2. Collection method: clinical testing. Allele origin: germline. Affected: yes. Observed: 1 variant allele.
Comment: KBTBD13: BS1, BS2

GeneDx
Classification: Benign. Last evaluated: 2019-02-18. Review status: criteria provided, single submitter. Criteria: GeneDx Variant Classification Process June 2021. Collection method: clinical testing. Allele origin: germline. Affected: yes.

Illumina Laboratory Services, Illumina
Classification: Benign for Nemaline myopathy 6. Last evaluated: 2018-01-12. Review status: criteria provided, single submitter. Criteria: ICSL Variant Classification Criteria 13 December 2019. Collection method: clinical testing. Allele origin: germline.
Comment: This variant was observed in the ICSL laboratory as part of a predisposition screen in an ostensibly healthy population. It had not been previously curated by ICSL or reported in the Human Gene Mutation Database (HGMD: prior to June 1st, 2018), and was therefore a candidate for classification through an automated scoring system. Utilizing variant allele frequency, disease prevalence and penetrance estimates, and inheritance mode, an automated score was calculated to assess if this variant is too frequent to cause the disease. Based on the score and internal cut-off values, a variant classified as benign is not then subjected to further curation. The score for this variant resulted in a classification of benign for this disease.